The following is an entry in ClinVar:

ClinVar aggregate classification (germline): Likely benign. Review status: criteria provided, multiple submitters, no conflicts (2 of 4 stars). 2 submissions from 2 submitters: Likely benign (2). Last evaluated 2025-07-01.

gnomAD v4.1: 35 of 1,208,803 alleles (0.0029%); highest among the groups gnomAD compares: Middle Eastern, 0.046%; no homozygotes.

Submissions (2):

CeGaT Center for Human Genetics Tuebingen
Classification: Likely benign. Last evaluated: 2025-07-01. Review status: criteria provided, single submitter. Criteria: CeGaT Center For Human Genetics Tuebingen Variant Classification Criteria Version 2. Collection method: clinical testing. Allele origin: germline. Affected: yes. Observed: 1 variant allele.
Comment: PHF8: BP4, BP7, BS2

Blueprint Genetics
Classification: Likely benign. Last evaluated: 2024-06-05. Review status: criteria provided, single submitter. Criteria: ACMG Guidelines, 2015. Collection method: clinical testing. Allele origin: germline.

NM_015107.3(PHF8):c.2129+51C>T

Gene: PHF8 (PHD finger protein 8; minus strand). Cytogenetic location: Xp11.22.
Variant type: single nucleotide variant.
Coding change: c.2129+51C>T on transcript NM_015107.3 (MANE Select); 51 bases into the intron after coding-DNA position 2129, C replaced by T.
Molecular consequence: intron variant. On other transcripts: synonymous variant (1).
Genome position (GRCh38, 1-based): chrX:53,985,765, G>A on the plus strand (C>T on the coding strand, the complement: PHF8 is on the minus strand). VCF-style: chrX-53985765-G-A. GRCh37 (hg19) VCF-style: chrX-54012198-G-A.
Other names: c.2058C>T, p.Pro686= (NM_001184898.2); c.1934+51C>T (NM_001441096.1, NM_001441098.1); c.2237+51C>T (NM_001184896.1, NM_001441097.1); c.1826+51C>T (NM_001184897.2).
Identifiers: ClinVar variation 4084381 (VCV004084381.9).